The following is an entry in ClinVar:

ClinVar aggregate classification (germline): Likely benign. Review status: criteria provided, multiple submitters, no conflicts (2 of 4 stars). 2 submissions from 2 submitters: Likely benign (2). Last evaluated 2024-06-24.

Conditions:
Familial cancer of breast. Also called: BREAST CANCER, FAMILIAL; Hereditary breast cancer; hereditary breast carcinoma. Identifiers: Orphanet 227535, MedGen C0346153, MONDO:0016419, OMIM 114480. Disease mechanism: loss of function.
Ataxia-telangiectasia syndrome (AT). Also called: LOUIS-BAR SYNDROME; Cerebello-oculocutaneous telangiectasia; Immunodeficiency with ataxia telangiectasia; Ataxia telangiectasia (A-T); Ataxia-telangiectasia, complementation group D; AT, COMPLEMENTATION GROUP C. Identifiers: Orphanet 100, MedGen C0004135, MONDO:0008840, OMIM 208900.

Submissions (2):

Myriad Genetics, Inc.
Classification: Likely benign for Familial cancer of breast. Last evaluated: 2024-06-24. Review status: criteria provided, single submitter. Criteria: Myriad Autosomal Dominant, Autosomal Recessive and X-Linked Classification Criteria (2023). Collection method: clinical testing. Allele origin: unknown.
Comment: This variant is considered likely benign. This variant is intronic and is not expected to impact mRNA splicing.

Labcorp Genetics (formerly Invitae), Labcorp
Classification: Likely benign for Ataxia-telangiectasia syndrome. Last evaluated: 2021-02-16. Review status: criteria provided, single submitter. Criteria: Invitae Variant Classification Sherloc (09022015). Collection method: clinical testing. Allele origin: germline.

NM_000051.4(ATM):c.8988-19T>C

Genes: ATM (ATM serine/threonine kinase; plus strand), C11orf65 (chromosome 11 open reading frame 65; minus strand). Cytogenetic location: 11q22.3.
Variant type: single nucleotide variant.
Coding change: c.8988-19T>C on transcript NM_000051.4 (MANE Select); 19 bases into the intron before coding-DNA position 8988, T replaced by C.
Molecular consequence: intron variant.
Genome position (GRCh38, 1-based): chr11:108,365,306, T>C. VCF-style: chr11-108365306-T-C. GRCh37 (hg19) VCF-style: chr11-108236033-T-C.
Other names: c.8988-19T>C (NM_001351834.2); c.640+20614A>G (NM_001330368.2); c.694+20614A>G (NM_001351110.2).
Identifiers: ClinVar variation 1532866 (VCV001532866.9), dbSNP rs2137900568, ClinGen allele CA2573146503.